The following is an entry in ClinVar:

NM_022765.4(MICAL1):c.3189_3190del (p.Ala1065fs)

Gene: MICAL1 (microtubule associated monooxygenase, calponin and LIM domain containing 1; minus strand). Cytogenetic location: 6q21.
Variant type: Deletion.
Coding change: c.3189_3190del on transcript NM_022765.4 (MANE Select); coding-DNA positions 3189 to 3190, 2 bases deleted (AG; older notation c.3189_3190delAG).
Protein change: p.Ala1065fs; shifts the reading frame from alanine 1065.
Molecular consequence: frameshift variant.
Genome position (GRCh38, 1-based): chr6:109,444,205-109,444,206, CT deleted on the plus strand (AG on the coding strand, the reverse complement: MICAL1 is on the minus strand). VCF-style (leftmost placement, unchanged base first): chr6-109444204-CCT-C. GRCh37 (hg19) VCF-style: chr6-109765407-CCT-C.
Other names: c.2931_2932del, p.Ala979fs (NM_001159291.2); c.3246_3247del, p.Ala1084fs (NM_001286613.2); short protein forms A979fs, A1084fs, A1065fs.
Identifiers: ClinVar variation 2722147 (VCV002722147.3), dbSNP rs776954085, ClinGen allele CA3952623.
Genomic context (GRCh38, chr6:109,444,204, plus strand): 5'-GTGAGGTGCTTTCTTTGTGGGAACGAAAGCAGACGGCCCACCCTCGTCTAGCCCTGGGCC[CCT>C]GTCCCCAAGGCCAGCTCGCTGAGCCTGCGCTCCTCCTGGAAGCGGATGAGGGCATCTCTC-3'

ClinVar aggregate classification (germline): Likely pathogenic (1 of 4 stars; one submission).

Allele frequency attached by ClinVar (database versions not stated): ExAC 0.00002; gnomAD exomes 0.00001; ESP Exome Variant Server 0.00008.

Submission:

Labcorp Genetics (formerly Invitae), Labcorp
Classification: Likely pathogenic. Last evaluated: 2025-11-05. Review status: criteria provided, single submitter. Criteria: Invitae Variant Classification Sherloc (09022015). Collection method: clinical testing. Allele origin: germline.
Comment: This sequence change is expected to alter the c-terminus of the MICAL1 protein (p.Ala1084Profs*). While this is not anticipated to result in nonsense mediated decay, it is expected to disrupt the last 3 amino acid(s) of the MICAL1 protein and extend the protein by an uncertain number of additional amino acid residues. This variant is present in population databases (rs776954085, gnomAD 0.007%). This frameshift has been observed in individual(s) with autosomal dominant lateral temporal lobe epilepsy (PMID: 29394500). It has also been observed to segregate with disease in related individuals. This variant is also known as c.3189-3190del (p.Ala1065fs). ClinVar contains an entry for this variant (Variation ID: 2722147). Algorithms developed to predict the effect of variants on gene product structure and function are not available or were not evaluated for this variant. Experimental studies have shown that this frameshift affects MICAL1 function (PMID: 29394500). In summary, the currently available evidence indicates that the variant is pathogenic, but additional data are needed to prove that conclusively. Therefore, this variant has been classified as Likely Pathogenic.

Literature cited by the submitters: PubMed 29394500.